The following is an entry in ClinVar:

NM_001379610.1(SPINK1):c.-15C>T

Gene: SPINK1 (serine peptidase inhibitor Kazal type 1; minus strand). Cytogenetic location: 5q32.
Variant type: single nucleotide variant.
Coding change: c.-15C>T on transcript NM_001379610.1 (MANE Select); 15 bases upstream of the start codon, C replaced by T.
Molecular consequence: 5 prime UTR variant.
Genome position (GRCh38, 1-based): chr5:147,831,592, G>A on the plus strand (C>T on the coding strand, the complement: SPINK1 is on the minus strand). VCF-style: chr5-147831592-G-A. GRCh37 (hg19) VCF-style: chr5-147211155-G-A.
Other names: c.-15C>T (NM_001354966.2, NM_003122.5).
Identifiers: ClinVar variation 496197 (VCV000496197.8), dbSNP rs148434824, ClinGen allele CA3494838.

ClinVar aggregate classification (germline): Uncertain significance. Review status: criteria provided, multiple submitters, no conflicts (2 of 4 stars). 2 submissions from 2 submitters: Uncertain significance (2). Last evaluated 2017-11-20.

Allele frequency attached by ClinVar (database versions not stated): gnomAD 0.00006; TOPMed 0.00006; ESP Exome Variant Server 0.00015; 1000 Genomes Project 30x 0.00031; 1000 Genomes Project 0.00040.
gnomAD v4.1: 120 of 1,613,206 alleles (0.0074%); highest among the groups gnomAD compares: Admixed American, 0.047%; no homozygotes.

Submissions (2):

ARUP Laboratories, Molecular Genetics and Genomics, ARUP Laboratories
Classification: Uncertain significance. Last evaluated: 2017-11-20. Review status: criteria provided, single submitter. Criteria: ARUP Molecular Germline Variant Investigation Process. Collection method: clinical testing. Allele origin: germline.

Women's Health and Genetics/Laboratory Corporation of America, LabCorp
Classification: Uncertain significance. Last evaluated: 2017-04-27. Review status: criteria provided, single submitter. Criteria: LabCorp Variant Classification Summary - May 2015. Collection method: clinical testing. Allele origin: germline.
Comment: Variant summary: The SPINK1 c.-15C>T variant involves the alteration of a non-conserved nucleotide located in the 5' UTR. One in silico tool predicts a benign outcome for this variant. This variant was found in 11/118816 control chromosomes at a frequency of 0.0000926, which does not exceed the estimated maximal expected allele frequency of a pathogenic SPINK1 variant (0.0050126). The variant of interest has not, to our knowledge, been reported in affected individuals via publications and/or clinical diagnostic laboratories; nor evaluated for functional impact by in vivo/vitro studies. Because of the absence of clinical information and the lack of functional studies, the variant is classified as a "Variant of Uncertain Significance (VUS)."